The following is an entry in ClinVar:

NM_001127644.2(GABRA1):c.78T>C (p.Tyr26=)

Gene: GABRA1 (gamma-aminobutyric acid type A receptor subunit alpha1; plus strand). Cytogenetic location: 5q34.
Variant type: single nucleotide variant.
Coding change: c.78T>C on transcript NM_001127644.2 (MANE Select); coding-DNA position 78, T replaced by C.
Protein change: p.Tyr26=; no amino-acid change (tyrosine 26 retained).
Molecular consequence: synonymous variant.
Genome position (GRCh38, 1-based): chr5:161,854,161, T>C. VCF-style: chr5-161854161-T-C. GRCh37 (hg19) VCF-style: chr5-161281167-T-C.
Other names: c.78T>C, p.Tyr26= (NM_000806.5, NM_001127643.2, NM_001127645.2 and 1 more transcripts).
Identifiers: ClinVar variation 377902 (VCV000377902.12), dbSNP rs779666888, ClinGen allele CA3544339.

ClinVar aggregate classification (germline): Likely benign. Review status: criteria provided, multiple submitters, no conflicts (2 of 4 stars). 3 submissions from 3 submitters: Likely benign (3). Last evaluated 2023-10-02.

Conditions:
Epilepsy, childhood absence 4 (ECA4). Also called: EPILEPSY, CHILDHOOD ABSENCE, SUSCEPTIBILITY TO, 4. Identifiers: Orphanet 307, MedGen C1970160.
Idiopathic generalized epilepsy. Also called: EIG; Generalised epilepsy. Identifiers: MedGen C0270850, MONDO:0005579, OMIM 600669.
Epilepsy, idiopathic generalized, susceptibility to, 13. Also called: EPILEPSY, JUVENILE MYOCLONIC, SUSCEPTIBILITY TO, 5. Identifiers: Orphanet 307, Orphanet 64280, MedGen C4013473, MONDO:0012627, OMIM 611136.

Allele frequency attached by ClinVar (database versions not stated): TOPMed below 0.00001; gnomAD 0.00001; ExAC 0.00002; gnomAD exomes 0.00002 and 0.00003.
gnomAD v4.1: 43 of 1,564,860 alleles (0.0027%); highest among the groups gnomAD compares: Non-Finnish European, 0.0036%; no homozygotes.

Submissions (3):

Blueprint Genetics
Classification: Likely benign. Last evaluated: 2023-10-02. Review status: criteria provided, single submitter. Criteria: ACMG Guidelines, 2015. Collection method: clinical testing. Allele origin: germline.

Labcorp Genetics (formerly Invitae), Labcorp
Classification: Likely benign for Epilepsy, childhood absence 4; Epilepsy, idiopathic generalized, susceptibility to, 13; Idiopathic generalized epilepsy. Last evaluated: 2023-08-10. Review status: criteria provided, single submitter. Criteria: Invitae Variant Classification Sherloc (09022015). Collection method: clinical testing. Allele origin: germline.

GeneDx
Classification: Likely benign. Last evaluated: 2017-10-23. Review status: criteria provided, single submitter. Criteria: GeneDx Variant Classification (06012015). Collection method: clinical testing. Allele origin: germline. Affected: yes.
Comment: This variant is considered likely benign or benign based on one or more of the following criteria: it is a conservative change, it occurs at a poorly conserved position in the protein, it is predicted to be benign by multiple in silico algorithms, and/or has population frequency not consistent with disease.